The following is an entry in ClinVar:

NM_000132.4(F8):c.6369G>A (p.Met2123Ile)

Gene: F8 (coagulation factor VIII; minus strand). Cytogenetic location: Xq28.
Variant type: single nucleotide variant.
Coding change: c.6369G>A on transcript NM_000132.4 (MANE Select); coding-DNA position 6369, G replaced by A.
Protein change: p.Met2123Ile; replaces methionine 2123 with isoleucine.
Molecular consequence: missense variant.
Genome position (GRCh38, 1-based): chrX:154,896,137, C>T on the plus strand (G>A on the coding strand, the complement: F8 is on the minus strand). VCF-style: chrX-154896137-C-T. GRCh37 (hg19) VCF-style: chrX-154124412-C-T.
Other names: short protein forms M2123I.
Identifiers: ClinVar variation 3372432 (VCV003372432.1).

ClinVar aggregate classification (germline): Uncertain significance (1 of 4 stars; one submission).

gnomAD v4.1: 2 of 1,208,444 alleles (0.00017%); highest among the groups gnomAD compares: Non-Finnish European, 0.00022%; no homozygotes.

Submission:

GeneDx
Classification: Uncertain significance. Last evaluated: 2024-04-12. Review status: criteria provided, single submitter. Criteria: GeneDx Variant Classification Process June 2021. Collection method: clinical testing. Allele origin: germline. Affected: yes.
Comment: Not observed at significant frequency in large population cohorts (gnomAD); In silico analysis indicates that this missense variant does not alter protein structure/function; Has not been previously published as pathogenic or benign to our knowledge